The following is an entry in ClinVar:

ClinVar aggregate classification (germline): Uncertain significance (1 of 4 stars; one submission).

Conditions:
Bardet-Biedl syndrome (BBS). Identifiers: Orphanet 110, MedGen C0752166, MONDO:0015229.

Allele frequency attached by ClinVar (database versions not stated): gnomAD exomes below 0.00001 and 0.00001; ExAC 0.00001.
gnomAD v4.1: 2 of 1,613,880 alleles (0.00012%); highest among the groups gnomAD compares: Non-Finnish European, 0.00017%; no homozygotes.

Submission:

Labcorp Genetics (formerly Invitae), Labcorp
Classification: Uncertain significance for Bardet-Biedl syndrome. Last evaluated: 2019-10-22. Review status: criteria provided, single submitter. Criteria: Invitae Variant Classification Sherloc (09022015). Collection method: clinical testing. Allele origin: germline.
Comment: Algorithms developed to predict the effect of missense changes on protein structure and function (SIFT, PolyPhen-2, Align-GVGD) all suggest that this variant is likely to be disruptive, but these predictions have not been confirmed by published functional studies and their clinical significance is uncertain. This variant has not been reported in the literature in individuals with BBS9-related conditions. This variant is present in population databases (rs756750359, ExAC 0.002%). This sequence change replaces phenylalanine with cysteine at codon 52 of the BBS9 protein (p.Phe52Cys). The phenylalanine residue is highly conserved and there is a large physicochemical difference between phenylalanine and cysteine. In summary, the available evidence is currently insufficient to determine the role of this variant in disease. Therefore, it has been classified as a Variant of Uncertain Significance.

NM_198428.3(BBS9):c.155T>G (p.Phe52Cys)

Gene: BBS9 (Bardet-Biedl syndrome 9; plus strand). Cytogenetic location: 7p14.3.
Variant type: single nucleotide variant.
Coding change: c.155T>G on transcript NM_198428.3 (MANE Select); coding-DNA position 155, T replaced by G.
Protein change: p.Phe52Cys; replaces phenylalanine 52 with cysteine.
Molecular consequence: missense variant. On other transcripts: 5 prime UTR variant (4), non-coding transcript variant (3), intron variant (2).
Genome position (GRCh38, 1-based): chr7:33,152,743, T>G. VCF-style: chr7-33152743-T-G. GRCh37 (hg19) VCF-style: chr7-33192355-T-G.
Other names: c.155T>G, p.Phe52Cys (NM_001033604.2, NM_001033605.2, NM_001348036.1 and 5 more transcripts); c.-147T>G (NM_001348037.3, NM_001348045.3); c.-123T>G (NM_001348038.3, NM_001348039.3); c.20T>G, p.Phe7Cys (NM_001348042.3); c.-39+22702T>G (NM_001348046.3, NM_001348044.3); short protein forms F52C, F7C.
Identifiers: ClinVar variation 957322 (VCV000957322.9), dbSNP rs756750359, ClinGen allele CA4213890.